The following is an entry in ClinVar:

ClinVar aggregate classification (germline): Pathogenic (1 of 4 stars; one submission).

Conditions:
Familial X-linked hypophosphatemic vitamin D refractory rickets (XLHRD). Also called: HYPOPHOSPHATEMIC VITAMIN D-RESISTANT RICKETS; X-Linked Hypophosphatemia; Hypophosphatemia, vitamin D-resistant rickets; Vitamin D-resistant rickets, X-linked; Hypophosphatemic Rickets, X-Linked Dominant. Identifiers: Orphanet 89936, MedGen C0733682, MONDO:0010619, OMIM 307800.

Submission:

Kasturba Medical College, Manipal, Kasturba Medical College, Manipal, Manipal Academy of Higher Education, Manipal, India
Classification: Pathogenic for Familial X-linked hypophosphatemic vitamin D refractory rickets. Review status: criteria provided, single submitter. Criteria: ACMG/ClinGen CNV Guidelines, 2019. Collection method: clinical testing. Allele origin: maternal. Inheritance: X-linked dominant inheritance. Affected: yes. Observed: 1 heterozygote.
Comment: Monoallelic disease-causing variants in PHEX are known to cause hypophosphatemic rickets, X-linked dominant through a loss-of-function mechanism. The above-mentioned duplication if in tandem is likely to result in gene disruption and thus impaired protein function. A duplication involving exons 2-11 of PHEX has been previously reported in two male individuals affected with hypophosphatemic rickets, X-linked dominant (Capelli et al., 2015). Thus, the above-mentioned CNV in heterozygous state is interpreted to be the cause for the condition observed in the proband and her mother.

GRCh38/hg38 Xp22.12-22.11(chrX:21743750-22114586)x3

Genes: MBTPS2 (membrane bound transcription factor peptidase, site 2; plus strand), PHEX (phosphate regulating endopeptidase X-linked; plus strand), SMPX (small muscle protein X-linked; minus strand), SMS (spermine synthase; plus strand), YY2 (YY2 transcription factor; plus strand) and 6 more. Cytogenetic location: Xp22.12-22.11.
Variant type: copy number gain.
Change: copy number 3 of chrX:21,743,750-22,114,586 (370.8 kb, GRCh38 coordinates, 1-based), cytogenetic band Xp22.12-22.11.
Identifiers: ClinVar variation 3376485 (VCV003376485.2).